The following is an entry in ClinVar:

NM_004655.4(AXIN2):c.111G>T (p.Gln37His)

Gene: AXIN2 (axin 2; minus strand). Cytogenetic location: 17q24.1.
Variant type: single nucleotide variant.
Coding change: c.111G>T on transcript NM_004655.4 (MANE Select); coding-DNA position 111, G replaced by T.
Protein change: p.Gln37His; replaces glutamine 37 with histidine.
Molecular consequence: missense variant.
Genome position (GRCh38, 1-based): chr17:65,558,510, C>A on the plus strand (G>T on the coding strand, the complement: AXIN2 is on the minus strand). VCF-style: chr17-65558510-C-A. GRCh37 (hg19) VCF-style: chr17-63554628-C-A.
Other names: c.111G>T, p.Gln37His (NM_001363813.1); short protein forms Q37H.
Identifiers: ClinVar variation 1494944 (VCV001494944.8), dbSNP rs2144590910, ClinGen allele CA400682154.

ClinVar aggregate classification (germline): Uncertain significance (1 of 4 stars; one submission).

Conditions:
Oligodontia-cancer predisposition syndrome. Also called: TOOTH AGENESIS-COLORECTAL CANCER SYNDROME. Identifiers: Orphanet 300576, MedGen C1837750, MONDO:0012075, OMIM 608615. Disease mechanism: loss of function.

Allele frequency attached by ClinVar (database versions not stated): gnomAD exomes below 0.00001.
gnomAD v4.1: 1 of 1,613,360 alleles (0.000062%); highest among the groups gnomAD compares: Middle Eastern, 0.016%; no homozygotes.

Submission:

Labcorp Genetics (formerly Invitae), Labcorp
Classification: Uncertain significance for Oligodontia-cancer predisposition syndrome. Last evaluated: 2023-05-20. Review status: criteria provided, single submitter. Criteria: Invitae Variant Classification Sherloc (09022015). Collection method: clinical testing. Allele origin: germline.
Comment: In summary, the available evidence is currently insufficient to determine the role of this variant in disease. Therefore, it has been classified as a Variant of Uncertain Significance. Advanced modeling of protein sequence and biophysical properties (such as structural, functional, and spatial information, amino acid conservation, physicochemical variation, residue mobility, and thermodynamic stability) performed at Invitae indicates that this missense variant is not expected to disrupt AXIN2 protein function. ClinVar contains an entry for this variant (Variation ID: 1494944). This variant has not been reported in the literature in individuals affected with AXIN2-related conditions. This variant is not present in population databases (gnomAD no frequency). This sequence change replaces glutamine, which is neutral and polar, with histidine, which is basic and polar, at codon 37 of the AXIN2 protein (p.Gln37His).